The following is an entry in ClinVar:

ClinVar aggregate classification (germline): Pathogenic/Likely pathogenic. Review status: criteria provided, multiple submitters, no conflicts (2 of 4 stars). 2 submissions from 2 submitters: Pathogenic (1); Likely pathogenic (1). Last evaluated 2024-05-08.

Conditions:
Glycogen storage disease type III (GSD3). Also called: FORBES DISEASE; Cori disease. Identifiers: Orphanet 366, MedGen C0017922, MONDO:0009291, OMIM 232400.

Submissions (2):

Myriad Genetics, Inc.
Classification: Pathogenic for Glycogen storage disease type III. Last evaluated: 2024-05-08. Review status: criteria provided, single submitter. Criteria: Myriad Autosomal Dominant, Autosomal Recessive and X-Linked Classification Criteria (2023). Collection method: clinical testing. Allele origin: unknown.
Comment: NM_000642.2(AGL):c.921delC(N307Kfs*18) is expected to be pathogenic in the context of glycogen storage disease type III. This variant is predicted to lead to an abnormal or absent protein product due to the creation of a premature termination codon in AGL, a gene where loss-of-function variants are known to be pathogenic. Please note: this variant was assessed in the context of healthy population screening.

Molecular Diagnostics Laboratory, M Health Fairview: University of Minnesota
Classification: Likely pathogenic for Glycogen storage disease type III. Last evaluated: 2019-07-09. Review status: criteria provided, single submitter. Criteria: ACMG Guidelines, 2015. Collection method: clinical testing. Allele origin: germline. Affected: yes. Observed: 1 variant allele.

NM_000642.3(AGL):c.921del (p.Asn307fs)

Gene: AGL (amylo-alpha-1,6-glucosidase and 4-alpha-glucanotransferase; plus strand). Cytogenetic location: 1p21.2.
Variant type: Deletion.
Coding change: c.921del on transcript NM_000642.3 (MANE Select); coding-DNA position 921, one base deleted (C; older notation c.921delC).
Protein change: p.Asn307fs; shifts the reading frame from asparagine 307.
Molecular consequence: frameshift variant.
Genome position (GRCh38, 1-based): chr1:99,870,832, C deleted. VCF-style (leftmost placement, unchanged base first): chr1-99870831-AC-A. GRCh37 (hg19) VCF-style: chr1-100336387-AC-A.
Other names: c.921delC, p.Asn307Lysfs (NM_001425327.1, NM_000028.3, NM_000643.3 and 3 more transcripts); c.717delC, p.Asn239Lysfs (NM_001425328.1, NM_001425329.1); c.543delC, p.Asn181Lysfs (NM_001425332.1); c.873delC, p.Asn291Lysfs (NM_000646.3); c.921delC (NM_000028.2); short protein forms N291fs, N307fs.
Identifiers: ClinVar variation 804340 (VCV000804340.2), dbSNP rs1571243862, ClinGen allele CA915941347.